The following is an entry in ClinVar:

NC_000017.10:g.(?_33427972)_(33428404_?)del

Gene: RAD51D (RAD51 paralog D; minus strand). Cytogenetic location: 17q12.
Variant type: Deletion.
Identifiers: ClinVar variation 2424557 (VCV002424557.3).

ClinVar aggregate classification (germline): Likely pathogenic (1 of 4 stars; one submission).

Conditions:
Breast-ovarian cancer, familial, susceptibility to, 4. Identifiers: Orphanet 145, MedGen C3280345, MONDO:0013669, OMIM 614291.

Submission:

Labcorp Genetics (formerly Invitae), Labcorp
Classification: Likely pathogenic for Breast-ovarian cancer, familial, susceptibility to, 4. Last evaluated: 2022-09-30. Review status: criteria provided, single submitter. Criteria: Invitae Variant Classification Sherloc (09022015). Collection method: clinical testing. Allele origin: germline.
Comment: This variant is a gross deletion of the genomic region encompassing exon(s) 9-10 of the RAD51D gene, which includes the termination codon. This deletion extends beyond the assayed region for this gene and therefore may encompass additional genes. While this deletion is not anticipated to lead to nonsense mediated decay, it is expected to alter mRNA translation or result in a truncated protein product. A similar copy number variant has been observed in individual(s) with breast cancer and/or ovarian cancer (PMID: 32427313; Invitae). It has also been observed to segregate with disease in related individuals. In summary, the currently available evidence indicates that the variant is pathogenic, but additional data are needed to prove that conclusively. Therefore, this variant has been classified as Likely Pathogenic.

Literature cited by the submitters: PubMed 32427313.